The following is an entry in ClinVar:

NM_182961.4(SYNE1):c.20648G>T (p.Arg6883Leu)

Gene: SYNE1 (spectrin repeat containing nuclear envelope protein 1; minus strand). Cytogenetic location: 6q25.2.
Variant type: single nucleotide variant.
Coding change: c.20648G>T on transcript NM_182961.4 (MANE Select); coding-DNA position 20648, G replaced by T.
Protein change: p.Arg6883Leu; replaces arginine 6883 with leucine.
Molecular consequence: missense variant.
Genome position (GRCh38, 1-based): chr6:152,233,845, C>A on the plus strand (G>T on the coding strand, the complement: SYNE1 is on the minus strand). VCF-style: chr6-152233845-C-A. GRCh37 (hg19) VCF-style: chr6-152554980-C-A.
Other names: c.20435G>T, p.Arg6812Leu (NM_033071.5); short protein forms R6812L, R6883L.
Identifiers: ClinVar variation 2419859 (VCV002419859.3), dbSNP rs758105121, ClinGen allele CA4054370.

ClinVar aggregate classification (germline): Uncertain significance (1 of 4 stars; one submission).

Conditions:
Autosomal recessive ataxia, Beauce type. Also called: Spinocerebellar ataxia, autosomal recessive 8; ATAXIA, RECESSIVE, OF BEAUCE; SYNE1-Related Autosomal Recessive Cerebellar Ataxia; SYNE1 Deficiency. Identifiers: Orphanet 88644, MedGen C1853116, MONDO:0012549, OMIM 610743.
Emery-Dreifuss muscular dystrophy 4, autosomal dominant (EDMD4). Also called: EMERY-DREIFUSS MUSCULAR DYSTROPHY 4 WITH VARIABLE FEATURES. Identifiers: Orphanet 261, MedGen C2751807, MONDO:0013071, OMIM 612998.

gnomAD v4.1: 12 of 1,614,046 alleles (0.00074%); highest among the groups gnomAD compares: Admixed American, 0.0083%; no homozygotes.

Submission:

Labcorp Genetics (formerly Invitae), Labcorp
Classification: Uncertain significance for Emery-Dreifuss muscular dystrophy 4, autosomal dominant; Autosomal recessive ataxia, Beauce type. Last evaluated: 2022-08-17. Review status: criteria provided, single submitter. Criteria: Invitae Variant Classification Sherloc (09022015). Collection method: clinical testing. Allele origin: germline.
Comment: This sequence change replaces arginine, which is basic and polar, with leucine, which is neutral and non-polar, at codon 6812 of the SYNE1 protein (p.Arg6812Leu). This variant is present in population databases (rs758105121, gnomAD 0.009%). This variant has not been reported in the literature in individuals affected with SYNE1-related conditions. Algorithms developed to predict the effect of missense changes on protein structure and function (SIFT, PolyPhen-2, Align-GVGD) all suggest that this variant is likely to be tolerated. In summary, the available evidence is currently insufficient to determine the role of this variant in disease. Therefore, it has been classified as a Variant of Uncertain Significance.